The following is an entry in ClinVar:

ClinVar aggregate classification (germline): Conflicting classifications of pathogenicity. Review status: criteria provided, conflicting classifications (1 of 4 stars). 6 submissions from 6 submitters: Uncertain significance (1); Likely benign (5). Last evaluated 2025-08-20.

Conditions:
Catecholaminergic polymorphic ventricular tachycardia (CVPT). Also called: Catecholamine-induced polymorphic ventricular tachycardia. Identifiers: Orphanet 3286, MedGen C5574922, MONDO:0017990.
Catecholaminergic polymorphic ventricular tachycardia 1. Also called: VENTRICULAR TACHYCARDIA, CATECHOLAMINERGIC POLYMORPHIC, 1, WITH OR WITHOUT ATRIAL DYSFUNCTION AND/OR DILATED CARDIOMYOPATHY; RYR2-Related Catecholaminergic Polymorphic Ventricular Tachycardia; VENTRICULAR TACHYCARDIA, STRESS-INDUCED POLYMORPHIC 1. Identifiers: Orphanet 3286, MedGen C1631597, MONDO:0011484, OMIM 604772.
Cardiovascular phenotype. Identifiers: MedGen CN230736.
Cardiomyopathy (CMYO). Also called: Cardiomyopathies. Identifiers: Orphanet 167848, MedGen C0878544, MONDO:0004994, HP:0001638. Inheritance: Various modes of inheritance.

Allele frequency attached by ClinVar (database versions not stated): gnomAD exomes below 0.00001 and 0.00002; TOPMed 0.00001; ExAC 0.00003; ESP Exome Variant Server 0.00017.
gnomAD v4.1: 9 of 1,606,198 alleles (0.00056%); highest among the groups gnomAD compares: African/African-American, 0.011%; no homozygotes.

Submissions (6):

Labcorp Genetics (formerly Invitae), Labcorp
Classification: Likely benign for Catecholaminergic polymorphic ventricular tachycardia 1. Last evaluated: 2025-08-20. Review status: criteria provided, single submitter. Criteria: Invitae Variant Classification Sherloc (09022015). Collection method: clinical testing. Allele origin: germline.

Women's Health and Genetics/Laboratory Corporation of America, LabCorp
Classification: Likely benign. Last evaluated: 2023-12-03. Review status: criteria provided, single submitter. Criteria: LabCorp Variant Classification Summary - May 2015. Collection method: clinical testing. Allele origin: germline.

All of Us Research Program, National Institutes of Health
Classification: Uncertain significance for Catecholaminergic polymorphic ventricular tachycardia. Last evaluated: 2023-11-30. Review status: criteria provided, single submitter. Criteria: ACMG Guidelines, 2015. Collection method: clinical testing. Allele origin: germline. Inheritance: Autosomal dominant inheritance. Observed: 1 variant allele, 1 heterozygote.
Comment: This study involves interpretation of variants in research participants for the purpose of population health screening. Participant phenotype was not available at the time of variant classification. Additional details can be found in publication PMID: 35346344, PMCID: PMC8962531

Color Diagnostics, LLC DBA Color Health
Classification: Likely benign for Cardiomyopathy. Last evaluated: 2022-11-06. Review status: criteria provided, single submitter. Criteria: ACMG Guidelines, 2015. Collection method: clinical testing. Allele origin: germline.

Ambry Genetics
Classification: Likely benign for Cardiovascular phenotype. Last evaluated: 2019-09-20. Review status: criteria provided, single submitter. Criteria: Ambry Variant Classification Scheme 2023. Collection method: clinical testing. Allele origin: germline.

GeneDx
Classification: Likely benign. Last evaluated: 2018-03-19. Review status: criteria provided, single submitter. Criteria: GeneDx Variant Classification (06012015). Collection method: clinical testing. Allele origin: germline. Affected: yes.
Comment: This variant is considered likely benign or benign based on one or more of the following criteria: it is a conservative change, it occurs at a poorly conserved position in the protein, it is predicted to be benign by multiple in silico algorithms, and/or has population frequency not consistent with disease.

NM_001035.3(RYR2):c.14896C>T (p.Leu4966=)

Gene: RYR2 (ryanodine receptor 2; plus strand). Cytogenetic location: 1q43.
Variant type: single nucleotide variant.
Coding change: c.14896C>T on transcript NM_001035.3 (MANE Select); coding-DNA position 14896, C replaced by T.
Protein change: p.Leu4966=; no amino-acid change (leucine 4966 retained).
Molecular consequence: synonymous variant.
Genome position (GRCh38, 1-based): chr1:237,832,639, C>T. VCF-style: chr1-237832639-C-T. GRCh37 (hg19) VCF-style: chr1-237995939-C-T.
Identifiers: ClinVar variation 680524 (VCV000680524.15), dbSNP rs368031082, ClinGen allele CA085789.